The following is an entry in ClinVar:

NM_001330700.2(TOP2B):c.193C>A (p.Leu65Ile)

Gene: TOP2B (DNA topoisomerase II beta; minus strand). Cytogenetic location: 3p24.2.
Variant type: single nucleotide variant.
Coding change: c.193C>A on transcript NM_001330700.2 (MANE Select); coding-DNA position 193, C replaced by A.
Protein change: p.Leu65Ile; replaces leucine 65 with isoleucine.
Molecular consequence: missense variant.
Genome position (GRCh38, 1-based): chr3:25,645,347, G>T on the plus strand (C>A on the coding strand, the complement: TOP2B is on the minus strand). VCF-style: chr3-25645347-G-T. GRCh37 (hg19) VCF-style: chr3-25686838-G-T.
Other names: c.178C>A, p.Leu60Ile (NM_001068.3); short protein forms L60I, L65I.
Identifiers: ClinVar variation 1371442 (VCV001371442.6), dbSNP rs200396829, ClinGen allele CA2288965.

ClinVar aggregate classification (germline): Uncertain significance (1 of 4 stars; one submission).

Allele frequency attached by ClinVar (database versions not stated): gnomAD exomes 0.00002 and 0.00005; ExAC 0.00005; ESP Exome Variant Server 0.00008; gnomAD 0.00012 and 0.00013; TOPMed 0.00030; 1000 Genomes Project 0.00060; 1000 Genomes Project 30x 0.00078.
gnomAD v4.1: 48 of 1,612,504 alleles (0.003%); highest among the groups gnomAD compares: Admixed American, 0.058%; no homozygotes.

Submission:

Labcorp Genetics (formerly Invitae), Labcorp
Classification: Uncertain significance. Last evaluated: 2026-01-16. Review status: criteria provided, single submitter. Criteria: Invitae Variant Classification Sherloc (09022015). Collection method: clinical testing. Allele origin: germline.
Comment: This sequence change replaces leucine, which is neutral and non-polar, with isoleucine, which is neutral and non-polar, at codon 60 of the TOP2B protein (p.Leu60Ile). This variant is present in population databases (rs200396829, gnomAD 0.03%). This variant has not been reported in the literature in individuals affected with TOP2B-related conditions. ClinVar contains an entry for this variant (Variation ID: 1371442). An algorithm developed to predict the effect of missense changes on protein structure and function (PolyPhen-2) suggests that this variant is likely to be disruptive. In summary, the available evidence is currently insufficient to determine the role of this variant in disease. Therefore, it has been classified as a Variant of Uncertain Significance.